The following is an entry in ClinVar:

NM_000059.4(BRCA2):c.230C>A (p.Thr77Asn)

Gene: BRCA2 (BRCA2 DNA repair associated; plus strand). Cytogenetic location: 13q13.1.
Variant type: single nucleotide variant.
Coding change: c.230C>A on transcript NM_000059.4 (MANE Select); coding-DNA position 230, C replaced by A.
Protein change: p.Thr77Asn; replaces threonine 77 with asparagine.
Molecular consequence: missense variant. On other transcripts: 5 prime UTR variant (1), non-coding transcript variant (1).
Genome position (GRCh38, 1-based): chr13:32,319,239, C>A. VCF-style: chr13-32319239-C-A. GRCh37 (hg19) VCF-style: chr13-32893376-C-A.
Other names: c.230C>A, p.Thr77Asn (NM_001406719.1, NM_001406720.1, NM_001406721.1 and 1 more transcripts); c.-140C>A (NM_001406722.1); short protein forms T77N.
Identifiers: ClinVar variation 4802259 (VCV004802259.1).

ClinVar aggregate classification (germline): Uncertain significance (1 of 4 stars; one submission).

Conditions:
Hereditary breast ovarian cancer syndrome. Also called: Hereditary breast and ovarian cancer syndrome (HBOC); Hereditary breast and ovarian cancer; Breast and ovarian cancer; Hereditary breast and/or ovarian cancer syndrome; BRCA1- and BRCA2-Associated Hereditary Breast and Ovarian Cancer; Hereditary breast and ovarian cancer syndrome. Identifiers: Orphanet 145, MedGen C0677776, MeSH D061325, MONDO:0003582. Disease mechanism: loss of function.

Submission:

Labcorp Genetics (formerly Invitae), Labcorp
Classification: Uncertain significance for Hereditary breast ovarian cancer syndrome. Last evaluated: 2025-11-01. Review status: criteria provided, single submitter. Criteria: Invitae Variant Classification Sherloc (09022015). Collection method: clinical testing. Allele origin: germline.
Comment: This sequence change replaces threonine, which is neutral and polar, with asparagine, which is neutral and polar, at codon 77 of the BRCA2 protein (p.Thr77Asn). This variant is not present in population databases (gnomAD no frequency). This variant has not been reported in the literature in individuals affected with BRCA2-related conditions. Invitae Evidence Modeling of protein sequence and biophysical properties (such as structural, functional, and spatial information, amino acid conservation, physicochemical variation, residue mobility, and thermodynamic stability) indicates that this missense variant is not expected to disrupt BRCA2 protein function with a negative predictive value of 95%. In summary, the available evidence is currently insufficient to determine the role of this variant in disease. Therefore, it has been classified as a Variant of Uncertain Significance.